The following is an entry in ClinVar:

NM_000049.4(ASPA):c.230dup (p.Asn77fs)

Genes: ASPA (aspartoacylase; plus strand), SPATA22 (spermatogenesis associated 22; minus strand). Cytogenetic location: 17p13.2.
Variant type: Duplication.
Coding change: c.230dup on transcript NM_000049.4 (MANE Select); coding-DNA position 230, one base duplicated (A; older notation c.230dupA).
Protein change: p.Asn77fs; shifts the reading frame from asparagine 77.
Molecular consequence: frameshift variant. On other transcripts: intron variant (2).
Genome position (GRCh38, 1-based): chr17:3,476,389, A duplicated; the last of 4 consecutive A bases (chr17:3,476,386-3,476,389); duplicating any one gives the same sequence. VCF-style (leftmost placement, unchanged base first): chr17-3476385-G-GA. GRCh37 (hg19) VCF-style: chr17-3379679-G-GA.
Other names: c.230dup, p.Asn77fs (NM_001128085.1); c.-73-6988dup (NM_001321336.2, NM_001321337.2); short protein forms N77fs.
Identifiers: ClinVar variation 1069303 (VCV001069303.8), dbSNP rs2150741916, ClinGen allele CA2499224259.

ClinVar aggregate classification (germline): Pathogenic (1 of 4 stars; one submission).

Conditions:
Spongy degeneration of central nervous system. Also called: ACY2 DEFICIENCY; AMINOACYLASE 2 DEFICIENCY; ASP DEFICIENCY; ASPA DEFICIENCY; ASPARTOACYLASE DEFICIENCY; CANAVAN-VAN BOGAERT-BERTRAND DISEASE. Identifiers: Orphanet 141, MedGen C0206307, MONDO:0010079, OMIM 271900.

Submission:

Labcorp Genetics (formerly Invitae), Labcorp
Classification: Pathogenic for Spongy degeneration of central nervous system. Last evaluated: 2020-08-24. Review status: criteria provided, single submitter. Criteria: Invitae Variant Classification Sherloc (09022015). Collection method: clinical testing. Allele origin: germline.
Comment: For these reasons, this variant has been classified as Pathogenic. This sequence change creates a premature translational stop signal (p.Asn77Lysfs*13) in the ASPA gene. It is expected to result in an absent or disrupted protein product. Loss-of-function variants in ASPA are known to be pathogenic (PMID: 12638939). This variant has not been reported in the literature in individuals with ASPA-related conditions. This variant is not present in population databases (ExAC no frequency).

Literature cited by the submitters: PubMed 12638939.